The following is an entry in ClinVar:

NM_001287444.2(DCDC2C):c.903G>A (p.Ala301=)

Gene: DCDC2C (doublecortin domain containing 2C; plus strand). Cytogenetic location: 2p25.3.
Variant type: single nucleotide variant.
Coding change: c.903G>A on transcript NM_001287444.2 (MANE Select); coding-DNA position 903, G replaced by A.
Protein change: p.Ala301=; no amino-acid change (alanine 301 retained).
Molecular consequence: synonymous variant.
Genome position (GRCh38, 1-based): chr2:3,769,360, G>A. VCF-style: chr2-3769360-G-A. GRCh37 (hg19) VCF-style: chr2-3816950-G-A.
Other names: c.501G>A, p.Ala167= (NM_001365580.2).
Identifiers: ClinVar variation 2650639 (VCV002650639.24), dbSNP rs557310721, ClinGen allele CA1517740.
Genomic context (GRCh38, chr2:3,769,360, plus strand): 5'-TTTTCTCCCAGAAGGTGACGTGTATAAAGCACCGACTCCTAGCAAGGAAACCCAAGGGGC[G>A]CTGGACGTCAAAGAGGAGCACAATGTGCAGCTGGAGGTGCCTGTGGACCAGGTGGGTGTC-3'
Protein context (NP_001274373.1, residues 291-311): APTPSKETQG[Ala301=]LDVKEEHNVQ

ClinVar aggregate classification (germline): Likely benign (1 of 4 stars; one submission).

Allele frequency attached by ClinVar (database versions not stated): ExAC 0.00030; 1000 Genomes Project 0.00060; 1000 Genomes Project 30x 0.00078.
gnomAD v4.1: 1,004 of 1,550,606 alleles (0.065%); highest among the groups gnomAD compares: Non-Finnish European, 0.08%; 2 homozygotes.

Submission:

CeGaT Center for Human Genetics Tuebingen
Classification: Likely benign. Last evaluated: 2023-04-01. Review status: criteria provided, single submitter. Criteria: CeGaT Center For Human Genetics Tuebingen Variant Classification Criteria Version 2. Collection method: clinical testing. Allele origin: germline. Affected: yes. Observed: 1 variant allele.
Comment: DCDC2C: BP4, BP7